The following is an entry in ClinVar:

ClinVar aggregate classification (germline): Uncertain significance (1 of 4 stars; one submission).

Conditions:
Hereditary cancer-predisposing syndrome. Also called: Tumor predisposition; Hereditary Cancer Syndrome; Hereditary neoplastic syndrome; Neoplastic Syndromes, Hereditary. Identifiers: Orphanet 140162, MedGen C0027672, MeSH D009386, MONDO:0015356.

gnomAD v4.1: 1 of 1,614,184 alleles (0.000062%); highest among the groups gnomAD compares: Non-Finnish European, 0.000085%; no homozygotes.

Submission:

Ambry Genetics
Classification: Uncertain significance for Hereditary cancer-predisposing syndrome. Last evaluated: 2024-05-18. Review status: criteria provided, single submitter. Criteria: Ambry Variant Classification Scheme 2023. Collection method: clinical testing. Allele origin: germline.
Comment: The p.S209R variant (also known as c.625A>C), located in coding exon 4 of the MSH3 gene, results from an A to C substitution at nucleotide position 625. The serine at codon 209 is replaced by arginine, an amino acid with dissimilar properties. This amino acid position is conserved. In addition, this alteration is predicted to be tolerated by in silico analysis. Based on the available evidence, the clinical significance of this variant remains unclear.

NM_002439.5(MSH3):c.625A>C (p.Ser209Arg)

Gene: MSH3 (mutS homolog 3; plus strand). Cytogenetic location: 5q14.1.
Variant type: single nucleotide variant.
Coding change: c.625A>C on transcript NM_002439.5 (MANE Select); coding-DNA position 625, A replaced by C.
Protein change: p.Ser209Arg; replaces serine 209 with arginine.
Molecular consequence: missense variant.
Genome position (GRCh38, 1-based): chr5:80,670,142, A>C. VCF-style: chr5-80670142-A-C. GRCh37 (hg19) VCF-style: chr5-79965961-A-C.
Other names: short protein forms S209R.
Identifiers: ClinVar variation 3296295 (VCV003296295.1).